The following is an entry in ClinVar:

NM_016292.3(TRAP1):c.2083G>A (p.Glu695Lys)

Genes: DNASE1 (deoxyribonuclease 1; plus strand), TRAP1 (TNF receptor associated protein 1; minus strand). Cytogenetic location: 16p13.3.
Variant type: single nucleotide variant.
Coding change: c.2083G>A on transcript NM_016292.3 (MANE Select); coding-DNA position 2083, G replaced by A.
Protein change: p.Glu695Lys; replaces glutamic acid 695 with lysine.
Molecular consequence: missense variant. On other transcripts: intron variant (1).
Genome position (GRCh38, 1-based): chr16:3,658,161, C>T on the plus strand (G>A on the coding strand, the complement: TRAP1 is on the minus strand). VCF-style: chr16-3658161-C-T. GRCh37 (hg19) VCF-style: chr16-3708162-C-T.
Other names: c.1924G>A, p.Glu642Lys (NM_001272049.2); c.*21+294C>T (NM_001387140.1); short protein forms E695K, E642K.
Identifiers: ClinVar variation 3460855 (VCV003460855.1).
Genomic context (GRCh38, chr16:3,658,161, plus strand): 5'-GGTGTCAGTCCTTCTGGCCCCCTGGCTGTCAGTGTCGCTCCAGGGCCTTGACAAGCAGCT[C>T]ATTCAAGCGGCCCACCATGGCCCTAGGGTCGTCAACAAGTCCAGCAGCAATCATGGCGTT-3'
Protein context (NP_057376.2, residues 685-704): DPRAMVGRLN[Glu695Lys]LLVKALERH

ClinVar aggregate classification (germline): Uncertain significance. Review status: criteria provided, multiple submitters, no conflicts (2 of 4 stars). 2 submissions from 2 submitters: Uncertain significance (2). Last evaluated 2025-04-28.

gnomAD v4.1: 4 of 1,613,900 alleles (0.00025%); highest among the groups gnomAD compares: African/African-American, 0.0013%; no homozygotes.

Submissions (2):

Labcorp Genetics (formerly Invitae), Labcorp
Classification: Uncertain significance. Last evaluated: 2025-04-28. Review status: criteria provided, single submitter. Criteria: Invitae Variant Classification Sherloc (09022015). Collection method: clinical testing. Allele origin: germline.
Comment: This sequence change replaces glutamic acid, which is acidic and polar, with lysine, which is basic and polar, at codon 695 of the TRAP1 protein (p.Glu695Lys). This variant is present in population databases (rs370077875, gnomAD 0.0009%). This variant has not been reported in the literature in individuals affected with TRAP1-related conditions. ClinVar contains an entry for this variant (Variation ID: 3460855). Invitae Evidence Modeling of protein sequence and biophysical properties (such as structural, functional, and spatial information, amino acid conservation, physicochemical variation, residue mobility, and thermodynamic stability) indicates that this missense variant is not expected to disrupt TRAP1 protein function with a negative predictive value of 80%. In summary, the available evidence is currently insufficient to determine the role of this variant in disease. Therefore, it has been classified as a Variant of Uncertain Significance.

Ambry Genetics
Classification: Uncertain significance. Last evaluated: 2024-11-13. Review status: criteria provided, single submitter. Criteria: Ambry Variant Classification Scheme 2023. Collection method: clinical testing. Allele origin: germline.